The following is an entry in ClinVar:

ClinVar aggregate classification (germline): Pathogenic (1 of 4 stars; one submission).

Conditions:
Charcot-Marie-Tooth disease type 4. Also called: Charcot-Marie-Tooth disease, type IV; Charcot-Marie-Tooth, Type 4. Identifiers: Orphanet 64749, MedGen C4082197, MONDO:0018995.

gnomAD v4.1: 1 of 1,614,182 alleles (0.000062%); highest among the groups gnomAD compares: Non-Finnish European, 0.000085%; no homozygotes.

Submission:

Labcorp Genetics (formerly Invitae), Labcorp
Classification: Pathogenic for Charcot-Marie-Tooth disease type 4. Last evaluated: 2024-03-07. Review status: criteria provided, single submitter. Criteria: Invitae Variant Classification Sherloc (09022015). Collection method: clinical testing. Allele origin: germline.
Comment: This sequence change creates a premature translational stop signal (p.Ser816*) in the PRX gene. While this is not anticipated to result in nonsense mediated decay, it is expected to disrupt the last 646 amino acid(s) of the PRX protein. This variant is present in population databases (rs556698543, gnomAD 0.0009%). This variant has not been reported in the literature in individuals affected with PRX-related conditions. This variant disrupts a region of the PRX protein in which other variant(s) (p.Gln1169*) have been determined to be pathogenic (PMID: 21840889, 24078732, 29858556). This suggests that this is a clinically significant region of the protein, and that variants that disrupt it are likely to be disease-causing. For these reasons, this variant has been classified as Pathogenic.

Literature cited by the submitters: PubMed 21840889; PubMed 24078732; PubMed 29858556.

NM_181882.3(PRX):c.2447C>G (p.Ser816Ter)

Gene: PRX (periaxin; minus strand). Cytogenetic location: 19q13.2.
Variant type: single nucleotide variant.
Coding change: c.2447C>G on transcript NM_181882.3 (MANE Select); coding-DNA position 2447, C replaced by G.
Protein change: p.Ser816Ter; replaces serine 816 with a stop codon.
Molecular consequence: nonsense. On other transcripts: 3 prime UTR variant (1).
Genome position (GRCh38, 1-based): chr19:40,395,905, G>C on the plus strand (C>G on the coding strand, the complement: PRX is on the minus strand). VCF-style: chr19-40395905-G-C. GRCh37 (hg19) VCF-style: chr19-40901812-G-C.
Other names: c.2732C>G, p.Ser911Ter (NM_001411127.1); c.*2652C>G (NM_020956.2); short protein forms S816*, S911*.
Identifiers: ClinVar variation 3690156 (VCV003690156.2).